The following is an entry in ClinVar:

ClinVar aggregate classification (germline): Uncertain significance. Review status: criteria provided, multiple submitters, no conflicts (2 of 4 stars). 3 submissions from 3 submitters: Uncertain significance (3). Last evaluated 2026-03-18.

Conditions:
RYR1-related disorder. Also called: RYR1-related disorders; RYR1-related condition. Identifiers: MedGen CN239331.

Allele frequency attached by ClinVar (database versions not stated): gnomAD exomes below 0.00001.
gnomAD v4.1: 1 of 1,614,178 alleles (0.000062%); highest among the groups gnomAD compares: East Asian, 0.0022%; no homozygotes.

Submissions (3):

PreventionGenetics, part of Exact Sciences
Classification: Uncertain significance for RYR1-related condition. Last evaluated: 2026-03-18. Review status: criteria provided, single submitter. Criteria: ACMG Guidelines, 2015. Collection method: clinical testing. Allele origin: germline.
Comment: The RYR1 c.10981T>A variant is predicted to result in the amino acid substitution p.Trp3661Arg. To our knowledge, this variant has not been reported in the literature. This variant is reported in 0.0054% of alleles in individuals of East Asian descent in gnomAD. At this time, the clinical significance of this variant is uncertain due to the absence of conclusive functional and genetic evidence.

Blueprint Genetics
Classification: Uncertain significance. Last evaluated: 2022-02-24. Review status: criteria provided, single submitter. Criteria: ACMG Guidelines, 2015. Collection method: clinical testing. Allele origin: germline.

Revvity Omics, Revvity
Classification: Uncertain significance. Last evaluated: 2021-06-30. Review status: criteria provided, single submitter. Criteria: ACMG Guidelines, 2015. Collection method: clinical testing. Allele origin: germline.

NM_000540.3(RYR1):c.10981T>A (p.Trp3661Arg)

Gene: RYR1 (ryanodine receptor 1; plus strand). Cytogenetic location: 19q13.2.
Variant type: single nucleotide variant.
Coding change: c.10981T>A on transcript NM_000540.3 (MANE Select); coding-DNA position 10981, T replaced by A.
Protein change: p.Trp3661Arg; replaces tryptophan 3661 with arginine.
Molecular consequence: missense variant.
Genome position (GRCh38, 1-based): chr19:38,528,642, T>A. VCF-style: chr19-38528642-T-A. GRCh37 (hg19) VCF-style: chr19-39019282-T-A.
Other names: c.10966T>A, p.Trp3656Arg (NM_001042723.2); short protein forms W3656R, W3661R.
Identifiers: ClinVar variation 2435513 (VCV002435513.5), dbSNP rs1343351943, ClinGen allele CA405649766.
Genomic context (GRCh38, chr19:38,528,642, plus strand): 5'-ACACCTCTCCCCTGCAGGCACCGGGCATGTAACATGTTCCTGGAGAGCTACAAGGCTGCA[T>A]GGATCCTGACTGAAGACCACAGTTTTGAGGACCGCATGATAGATGACCTTTCAGTGAGCT-3'
Protein context (NP_000531.2, residues 3651-3671): NMFLESYKAA[Trp3661Arg]ILTEDHSFED